The following is an entry in ClinVar:

NM_001005373.4(LRSAM1):c.267C>T (p.His89=)

Gene: LRSAM1 (leucine rich repeat and sterile alpha motif containing 1; plus strand). Cytogenetic location: 9q33.3.
Variant type: single nucleotide variant.
Coding change: c.267C>T on transcript NM_001005373.4 (MANE Select); coding-DNA position 267, C replaced by T.
Protein change: p.His89=; no amino-acid change (histidine 89 retained).
Molecular consequence: synonymous variant. On other transcripts: 5 prime UTR variant (1), non-coding transcript variant (2).
Genome position (GRCh38, 1-based): chr9:127,459,017, C>T. VCF-style: chr9-127459017-C-T. GRCh37 (hg19) VCF-style: chr9-130221296-C-T.
Other names: c.267C>T, p.His89= (NM_001005374.4, NM_001190723.3, NM_001384142.1 and 2 more transcripts); c.-518C>T (NM_001384144.1); c.267C>T (NM_138361.4).
Identifiers: ClinVar variation 385638 (VCV000385638.13), dbSNP rs148528063, ClinGen allele CA5246482.
Genomic context (GRCh38, chr9:127,459,017, plus strand): 5'-GAGGGACTTTCTCACTTGGAGACTCACAGGGGTCTTTCTTCTGCAGGTTCTAGATCTCCA[C>T]GATAATCAGCTGACAGCCCTTCCTGACGATCTGGGGCAGCTGACTGCCCTCCAGGTAAGG-3'
Protein context (NP_001005373.1, residues 79-99): SLATIKVLDL[His89=]DNQLTALPDD

ClinVar aggregate classification (germline): Likely benign. Review status: criteria provided, multiple submitters, no conflicts (2 of 4 stars). 3 submissions from 3 submitters: Likely benign (3). Last evaluated 2025-08-30.

Conditions:
Inborn genetic diseases. Identifiers: MedGen C0950123, MeSH D030342.
Charcot-Marie-Tooth disease axonal type 2P. Also called: Charcot-Marie-Tooth Neuropathy Type 2G; CHARCOT-MARIE-TOOTH DISEASE, AXONAL, TYPE 2G; CMT 2G; CHARCOT-MARIE-TOOTH NEUROPATHY, TYPE 2P. Identifiers: Orphanet 300319, Orphanet 99941, MedGen C3280797, MONDO:0013753, OMIM 614436.

Allele frequency attached by ClinVar (database versions not stated): gnomAD exomes 0.00001 and 0.00004; ExAC 0.00002; ESP Exome Variant Server 0.00008; gnomAD 0.00009 and 0.00011; TOPMed 0.00009.
gnomAD v4.1: 34 of 1,613,666 alleles (0.0021%); highest among the groups gnomAD compares: African/African-American, 0.036%; no homozygotes.

Submissions (3):

Labcorp Genetics (formerly Invitae), Labcorp
Classification: Likely benign for Charcot-Marie-Tooth disease axonal type 2P. Last evaluated: 2025-08-30. Review status: criteria provided, single submitter. Criteria: Invitae Variant Classification Sherloc (09022015). Collection method: clinical testing. Allele origin: germline.

Ambry Genetics
Classification: Likely benign for Inborn genetic diseases. Last evaluated: 2019-07-11. Review status: criteria provided, single submitter. Criteria: Ambry Variant Classification Scheme 2023. Collection method: clinical testing. Allele origin: germline.

GeneDx
Classification: Likely benign. Last evaluated: 2016-04-29. Review status: criteria provided, single submitter. Criteria: GeneDx Variant Classification (06012015). Collection method: clinical testing. Allele origin: germline. Affected: yes.
Comment: This variant is considered likely benign or benign based on one or more of the following criteria: it is a conservative change, it occurs at a poorly conserved position in the protein, it is predicted to be benign by multiple in silico algorithms, and/or has population frequency not consistent with disease.